The following is an entry in ClinVar:

NM_001165963.4(SCN1A):c.398T>A (p.Leu133Gln)

Gene: SCN1A (sodium voltage-gated channel alpha subunit 1; minus strand). Cytogenetic location: 2q24.3.
Variant type: single nucleotide variant.
Coding change: c.398T>A on transcript NM_001165963.4 (MANE Select); coding-DNA position 398, T replaced by A.
Protein change: p.Leu133Gln; replaces leucine 133 with glutamine.
Molecular consequence: missense variant. On other transcripts: 5 prime UTR variant (1), non-coding transcript variant (1).
Genome position (GRCh38, 1-based): chr2:166,056,486, A>T on the plus strand (T>A on the coding strand, the complement: SCN1A is on the minus strand). VCF-style: chr2-166056486-A-T. GRCh37 (hg19) VCF-style: chr2-166912996-A-T.
Other names: c.398T>A, p.Leu133Gln (NM_001165964.3, NM_001202435.3, NM_001353948.2 and 10 more transcripts); c.-2028T>A (NM_001353961.2); short protein forms L133Q.
Identifiers: ClinVar variation 429536 (VCV000429536.2), dbSNP rs1131691440, ClinGen allele CA349076123.

ClinVar aggregate classification (germline): Uncertain significance (1 of 4 stars; one submission).

Submission:

GeneDx
Classification: Uncertain significance. Last evaluated: 2017-05-04. Review status: criteria provided, single submitter. Criteria: GeneDx Variant Classification (06012015). Collection method: clinical testing. Allele origin: germline. Affected: yes.
Comment: A variant of uncertain significance has been identified in the SCN1A gene. The L133Q variant has not been published as a pathogenic variant, nor has it been reported as a benign variant to our knowledge. The L133Q variant is not observed in large population cohorts (Lek et al., 2016; 1000 Genomes Consortium et al., 2015; Exome Variant Server). The L133Q variant is a non-conservative amino acid substitution, which is likely to impact secondary protein structure as these residues differ in polarity, charge, size and/or other properties. This substitution occurs at a conserved position predicted to be within the transmembrane segment S1 of the first homologous domain. In silico analysis predicts this variant is probably damaging to the protein structure/function. Based on the currently available information, it is unclear whether this variant is a pathogenic variant or a rare benign variant.